The following is an entry in ClinVar:

ClinVar aggregate classification (germline): Uncertain significance (1 of 4 stars; one submission).

Conditions:
Hereditary cancer-predisposing syndrome. Also called: Neoplastic Syndromes, Hereditary; Tumor predisposition; Hereditary Cancer Syndrome; Hereditary neoplastic syndrome. Identifiers: Orphanet 140162, MedGen C0027672, MeSH D009386, MONDO:0015356.

Submission:

Ambry Genetics
Classification: Uncertain significance for Hereditary cancer-predisposing syndrome. Last evaluated: 2026-02-13. Review status: criteria provided, single submitter. Criteria: Ambry Variant Classification Scheme 2023. Collection method: clinical testing. Allele origin: germline.
Comment: The p.E9A variant (also known as c.26A>C), located in coding exon 1 of the XRCC2 gene, results from an A to C substitution at nucleotide position 26. The glutamic acid at codon 9 is replaced by alanine, an amino acid with dissimilar properties. This amino acid position is conserved. In addition, this alteration is predicted to be tolerated by in silico analysis. Based on the available evidence, the clinical significance of this variant remains unclear.

NM_005431.2(XRCC2):c.26A>C (p.Glu9Ala)

Gene: XRCC2 (X-ray repair cross complementing 2; minus strand). Cytogenetic location: 7q36.1.
Variant type: single nucleotide variant.
Coding change: c.26A>C on transcript NM_005431.2 (MANE Select); coding-DNA position 26, A replaced by C.
Protein change: p.Glu9Ala; replaces glutamic acid 9 with alanine.
Molecular consequence: missense variant.
Genome position (GRCh38, 1-based): chr7:152,676,054, T>G on the plus strand (A>C on the coding strand, the complement: XRCC2 is on the minus strand). VCF-style: chr7-152676054-T-G. GRCh37 (hg19) VCF-style: chr7-152373139-T-G.
Other names: short protein forms E9A.
Identifiers: ClinVar variation 4844170 (VCV004844170.1).